The following is an entry in ClinVar:

ClinVar aggregate classification (germline): Uncertain significance. Review status: criteria provided, multiple submitters, no conflicts (2 of 4 stars). 2 submissions from 2 submitters: Uncertain significance (2). Last evaluated 2025-11-19.

Conditions:
Inborn genetic diseases. Identifiers: MedGen C0950123, MeSH D030342.

gnomAD v4.1: 20 of 1,611,826 alleles (0.0012%); highest among the groups gnomAD compares: African/African-American, 0.027%; no homozygotes.

Submissions (2):

Ambry Genetics
Classification: Uncertain significance for Inborn genetic diseases. Last evaluated: 2025-11-19. Review status: criteria provided, single submitter. Criteria: Ambry Variant Classification Scheme 2023. Collection method: clinical testing. Allele origin: germline.
Comment: The c.8226+5G>T intronic alteration consists of a G to T substitution nucleotides after coding exon 53 in the TRRAP gene. Based on data from gnomAD, the T allele has an overall frequency of 0.003% (7/279996) total alleles studied. The highest observed frequency was 0.029% (7/24132) of African alleles. Based on insufficient or conflicting evidence, the clinical significance of this alteration remains unclear.

Labcorp Genetics (formerly Invitae), Labcorp
Classification: Uncertain significance. Last evaluated: 2025-11-03. Review status: criteria provided, single submitter. Criteria: Invitae Variant Classification Sherloc (09022015). Collection method: clinical testing. Allele origin: germline.
Comment: This sequence change falls in intron 53 of the TRRAP gene. It does not directly change the encoded amino acid sequence of the TRRAP protein. It affects a nucleotide within the consensus splice site. This variant is present in population databases (rs367772177, gnomAD 0.03%). This variant has not been reported in the literature in individuals affected with TRRAP-related conditions. ClinVar contains an entry for this variant (Variation ID: 3713932). Variants that disrupt the consensus splice site are a relatively common cause of aberrant splicing (PMID: 17576681, 9536098). Algorithms developed to predict the effect of sequence changes on RNA splicing suggest that this variant may create or strengthen a splice site. In summary, the available evidence is currently insufficient to determine the role of this variant in disease. Therefore, it has been classified as a Variant of Uncertain Significance.

Literature cited by the submitters: PubMed 17576681 (cited by Labcorp Genetics (formerly Invitae), Labcorp); PubMed 9536098 (cited by Labcorp Genetics (formerly Invitae), Labcorp).

NM_001375524.1(TRRAP):c.8247+5G>T

Gene: TRRAP (transformation/transcription domain associated protein; plus strand). Cytogenetic location: 7q22.1.
Variant type: single nucleotide variant.
Coding change: c.8247+5G>T on transcript NM_001375524.1 (MANE Select); 5 bases into the intron after coding-DNA position 8247, G replaced by T.
Molecular consequence: intron variant.
Genome position (GRCh38, 1-based): chr7:98,976,775, G>T. VCF-style: chr7-98976775-G-T. GRCh37 (hg19) VCF-style: chr7-98574398-G-T.
Other names: c.8226+5G>T (NM_001244580.2, NM_001244580.1); c.8172+5G>T (NM_003496.4).
Identifiers: ClinVar variation 3713932 (VCV003713932.3).